The following is an entry in ClinVar:

NM_004612.4(TGFBR1):c.359G>A (p.Gly120Asp)

Gene: TGFBR1 (transforming growth factor beta receptor 1; plus strand). Cytogenetic location: 9q22.33.
Variant type: single nucleotide variant.
Coding change: c.359G>A on transcript NM_004612.4 (MANE Select); coding-DNA position 359, G replaced by A.
Protein change: p.Gly120Asp; replaces glycine 120 with aspartic acid.
Molecular consequence: missense variant. On other transcripts: intron variant (1).
Genome position (GRCh38, 1-based): chr9:99,132,524, G>A. VCF-style: chr9-99132524-G-A. GRCh37 (hg19) VCF-style: chr9-101894806-G-A.
Other names: c.371G>A, p.Gly124Asp (NM_001306210.2); c.343+3424G>A (NM_001130916.3); short protein forms G120D, G124D.
Identifiers: ClinVar variation 855432 (VCV000855432.10), dbSNP rs1827267269, ClinGen allele CA374227789.

ClinVar aggregate classification (germline): Uncertain significance. Review status: criteria provided, multiple submitters, no conflicts (2 of 4 stars). 2 submissions from 2 submitters: Uncertain significance (2). Last evaluated 2025-06-18.

Conditions:
Familial thoracic aortic aneurysm and aortic dissection (TAAD). Also called: Thoracic aortic aneurysms and dissections. Identifiers: Orphanet 91387, MedGen C4707243, MONDO:0019625.

Submissions (2):

Color Diagnostics, LLC DBA Color Health
Classification: Uncertain significance for Familial thoracic aortic aneurysm and aortic dissection. Last evaluated: 2025-06-18. Review status: criteria provided, single submitter. Criteria: ACMG Guidelines, 2015. Collection method: clinical testing. Allele origin: germline.
Comment: This missense variant replaces glycine with aspartic acid at codon 120 of the TGFBR1 protein. Computational prediction suggests that this variant may not impact protein structure and function. To our knowledge, functional studies have not been reported for this variant. This variant has not been reported in individuals affected with TGFBR1-related disorders in the literature. This variant has not been identified in the general population by the Genome Aggregation Database (gnomAD). The available evidence is insufficient to determine the role of this variant in disease conclusively. Therefore, this variant is classified as a Variant of Uncertain Significance.

Labcorp Genetics (formerly Invitae), Labcorp
Classification: Uncertain significance for Familial thoracic aortic aneurysm and aortic dissection. Last evaluated: 2019-03-11. Review status: criteria provided, single submitter. Criteria: Invitae Variant Classification Sherloc (09022015). Collection method: clinical testing. Allele origin: germline.
Comment: In summary, the available evidence is currently insufficient to determine the role of this variant in disease. Therefore, it has been classified as a Variant of Uncertain Significance. Algorithms developed to predict the effect of missense changes on protein structure and function (SIFT, PolyPhen-2, Align-GVGD) all suggest that this variant is likely to be tolerated, but these predictions have not been confirmed by published functional studies and their clinical significance is uncertain. This variant has not been reported in the literature in individuals with TGFBR1-related conditions. This variant is not present in population databases (ExAC no frequency). This sequence change replaces glycine with aspartic acid at codon 120 of the TGFBR1 protein (p.Gly120Asp). The glycine residue is weakly conserved and there is a moderate physicochemical difference between glycine and aspartic acid.